The following is an entry in ClinVar:

NM_002294.3(LAMP2):c.1142_1156dup (p.Val381_Leu385dup)

Gene: LAMP2 (lysosomal associated membrane protein 2; minus strand). Cytogenetic location: Xq24.
Variant type: Duplication.
Coding change: c.1142_1156dup on transcript NM_002294.3 (MANE Select); coding-DNA positions 1142 to 1156, 15 bases duplicated (TGGGAGCTGCCTTGG).
Protein change: p.Val381_Leu385dup.
Molecular consequence: inframe insertion. On other transcripts: intron variant (1).
Genome position (GRCh38, 1-based): chrX:120,431,400-120,431,414, CCAAGGCAGCTCCCA duplicated on the plus strand (TGGGAGCTGCCTTGG on the coding strand, the reverse complement: LAMP2 is on the minus strand); duplicating any 15 consecutive bases within chrX:120,431,400-120,431,416 gives the same sequence; the c. name uses the placement nearest the transcript's 3' end. VCF-style (leftmost placement, unchanged base first): chrX-120431399-G-GCCAAGGCAGCTCCCA. GRCh37 (hg19) VCF-style: chrX-119565254-G-GCCAAGGCAGCTCCCA.
Other names: c.1094-2788_1094-2774dup (NM_001122606.1).
Identifiers: ClinVar variation 1310357 (VCV001310357.2), dbSNP rs2147273190, ClinGen allele CA2573055074.

ClinVar aggregate classification (germline): Uncertain significance (1 of 4 stars; one submission).

Submission:

GeneDx
Classification: Uncertain significance. Last evaluated: 2019-11-13. Review status: criteria provided, single submitter. Criteria: GeneDx Variant Classification Process June 2021. Collection method: clinical testing. Allele origin: germline. Affected: yes.
Comment: Not observed in large population cohorts (Lek et al., 2016); In-frame insertion of 5 amino acids in a non-repeat region; Has not been previously published as pathogenic or benign to our knowledge